The following is an entry in ClinVar:

NM_003803.4(MYOM1):c.568_603dup (p.Thr190_Gln201dup)

Gene: MYOM1 (myomesin 1; minus strand). Cytogenetic location: 18p11.31.
Variant type: Duplication.
Coding change: c.568_603dup on transcript NM_003803.4 (MANE Select); coding-DNA positions 568 to 603, 36 bases duplicated.
Protein change: p.Thr190_Gln201dup.
Molecular consequence: inframe insertion.
Genome position (GRCh38, 1-based): chr18:3,188,916-3,188,951, 36 bases duplicated; duplicating any 36 consecutive bases within chr18:3,188,916-3,188,972 gives the same sequence; the c. name uses the placement nearest the transcript's 3' end. GRCh37 (hg19): chr18:3,188,935-3,188,970.
Other names: c.568_603dup, p.Thr190_Gln201dup (NM_019856.2).
Identifiers: ClinVar variation 1355937 (VCV001355937.6), dbSNP rs745347160, ClinGen allele CA628483150.
Genomic context (GRCh38, chr18:3,188,915, plus strand): 5'-CCACAGACTGCCTGGATGCCGTGGACTGCCTGGATGCCGTGGACTGCTTGGATGCTGTGG[A>ACTGCTTGGATGCCGTGGACTGCTTAGATGCCGTGGT]CTGCTTGGATGCCGTGGACTGCTTAGATGCCGTGGTCTGCTTGGATGCCGTGGACTGTTT-3'

ClinVar aggregate classification (germline): Uncertain significance (1 of 4 stars; one submission).

Conditions:
Hypertrophic cardiomyopathy. Also called: HYPERTROPHIC MYOCARDIOPATHY. Identifiers: Orphanet 217569, MedGen C0007194, MeSH D002312, MONDO:0005045, HP:0001639.

Submission:

Labcorp Genetics (formerly Invitae), Labcorp
Classification: Uncertain significance for Hypertrophic cardiomyopathy. Last evaluated: 2021-07-26. Review status: criteria provided, single submitter. Criteria: Invitae Variant Classification Sherloc (09022015). Collection method: clinical testing. Allele origin: germline.
Comment: In summary, the available evidence is currently insufficient to determine the role of this variant in disease. Therefore, it has been classified as a Variant of Uncertain Significance. Algorithms developed to predict the effect of sequence changes on RNA splicing suggest that this variant may create or strengthen a splice site. Experimental studies and prediction algorithms are not available or were not evaluated, and the functional significance of this variant is currently unknown. This variant has not been reported in the literature in individuals affected with MYOM1-related conditions. This variant is not present in population databases (ExAC no frequency). This variant, c.568_603dup, results in the insertion of 12 amino acid(s) to the MYOM1 protein (p.Thr190_Gln201dup), but otherwise preserves the integrity of the reading frame.